The following is an entry in ClinVar:

NM_001018113.3(FANCB):c.494G>A (p.Gly165Asp)

Gene: FANCB (FA complementation group B; minus strand). Cytogenetic location: Xp22.2.
Variant type: single nucleotide variant.
Coding change: c.494G>A on transcript NM_001018113.3 (MANE Select); coding-DNA position 494, G replaced by A.
Protein change: p.Gly165Asp; replaces glycine 165 with aspartic acid.
Molecular consequence: missense variant.
Genome position (GRCh38, 1-based): chrX:14,865,017, C>T on the plus strand (G>A on the coding strand, the complement: FANCB is on the minus strand). VCF-style: chrX-14865017-C-T. GRCh37 (hg19) VCF-style: chrX-14883139-C-T.
Other names: c.494G>A, p.Gly165Asp (NM_001324162.2, NM_001410764.1, NM_152633.4); short protein forms G165D.
Identifiers: ClinVar variation 2058119 (VCV002058119.5), dbSNP rs2519011430, ClinGen allele CA412444382.

ClinVar aggregate classification (germline): Uncertain significance. Review status: criteria provided, multiple submitters, no conflicts (2 of 4 stars). 2 submissions from 2 submitters: Uncertain significance (2). Last evaluated 2024-05-27.

Conditions:
Fanconi anemia complementation group B (FANCB). Also called: FANCONI PANCYTOPENIA, TYPE 2; FANCB-Related Fanconi Anemia. Identifiers: Orphanet 84, MedGen C1845292, MONDO:0010351, OMIM 300514.
Fanconi anemia (FA). Also called: Fanconi's anemia. Identifiers: Orphanet 84, MedGen C0015625, MeSH D005199, MONDO:0019391.

Submissions (2):

Fulgent Genetics
Classification: Uncertain significance for Fanconi anemia complementation group B. Last evaluated: 2024-05-27. Review status: criteria provided, single submitter. Criteria: ACMG Guidelines, 2015. Collection method: clinical testing. Allele origin: germline.

Labcorp Genetics (formerly Invitae), Labcorp
Classification: Uncertain significance for Fanconi anemia. Last evaluated: 2022-09-27. Review status: criteria provided, single submitter. Criteria: Invitae Variant Classification Sherloc (09022015). Collection method: clinical testing. Allele origin: germline.
Comment: This variant has not been reported in the literature in individuals affected with FANCB-related conditions. This variant is not present in population databases (gnomAD no frequency). This sequence change replaces glycine, which is neutral and non-polar, with aspartic acid, which is acidic and polar, at codon 165 of the FANCB protein (p.Gly165Asp). In summary, the available evidence is currently insufficient to determine the role of this variant in disease. Therefore, it has been classified as a Variant of Uncertain Significance. Advanced modeling of protein sequence and biophysical properties (such as structural, functional, and spatial information, amino acid conservation, physicochemical variation, residue mobility, and thermodynamic stability) performed at Invitae indicates that this missense variant is not expected to disrupt FANCB protein function.